The following is an entry in ClinVar:

ClinVar aggregate classification (germline): Uncertain significance (1 of 4 stars; one submission).

gnomAD v4.1: 14 of 1,572,064 alleles (0.00089%); highest among the groups gnomAD compares: South Asian, 0.011%; no homozygotes.

Submission:

GeneDx
Classification: Uncertain significance. Last evaluated: 2025-06-03. Review status: criteria provided, single submitter. Criteria: GeneDx Variant Classification Process June 2021. Collection method: clinical testing. Allele origin: germline. Affected: yes.
Comment: In silico analysis suggests that this missense variant does not alter protein structure/function; Has not been previously published as pathogenic or benign to our knowledge

NM_004444.5(EPHB4):c.688G>A (p.Ala230Thr)

Gene: EPHB4 (EPH receptor B4; minus strand). Cytogenetic location: 7q22.1.
Variant type: single nucleotide variant.
Coding change: c.688G>A on transcript NM_004444.5 (MANE Select); coding-DNA position 688, G replaced by A.
Protein change: p.Ala230Thr; replaces alanine 230 with threonine.
Molecular consequence: missense variant.
Genome position (GRCh38, 1-based): chr7:100,822,391, C>T on the plus strand (G>A on the coding strand, the complement: EPHB4 is on the minus strand). VCF-style: chr7-100822391-C-T. GRCh37 (hg19) VCF-style: chr7-100420013-C-T.
Other names: short protein forms A230T.
Identifiers: ClinVar variation 4536515 (VCV004536515.1).